The following is an entry in ClinVar:

NM_002103.5(GYS1):c.*256G>A

Gene: GYS1 (glycogen synthase 1; minus strand). Cytogenetic location: 19q13.33.
Variant type: single nucleotide variant.
Coding change: c.*256G>A on transcript NM_002103.5 (MANE Select); 256 bases downstream of the stop codon, G replaced by A.
Molecular consequence: 3 prime UTR variant. On other transcripts: non-coding transcript variant (1).
Genome position (GRCh38, 1-based): chr19:48,969,032, C>T on the plus strand (G>A on the coding strand, the complement: GYS1 is on the minus strand). VCF-style: chr19-48969032-C-T. GRCh37 (hg19) VCF-style: chr19-49472289-C-T.
Other names: c.*256G>A (NM_001161587.2).
Identifiers: ClinVar variation 893306 (VCV000893306.5), dbSNP rs148077948, ClinGen allele CA9562665.

ClinVar aggregate classification (germline): Likely benign. Review status: criteria provided, multiple submitters, no conflicts (2 of 4 stars). 2 submissions from 2 submitters: Likely benign (2). Last evaluated 2021-06-08.

Conditions:
Glycogen storage disease due to muscle and heart glycogen synthase deficiency. Also called: GSD 0b; MUSCLE GLYCOGEN SYNTHASE DEFICIENCY. Identifiers: Orphanet 137625, MedGen C1969054, MONDO:0012693, OMIM 611556.

Allele frequency attached by ClinVar (database versions not stated): gnomAD exomes 0.00043 and 0.00089; ExAC 0.00110; 1000 Genomes Project 0.00160; 1000 Genomes Project 30x 0.00203; gnomAD 0.00425 and 0.00465; TOPMed 0.00440.
gnomAD v4.1: 864 of 655,316 alleles (0.13%); highest among the groups gnomAD compares: African/African-American, 1.4%; 4 homozygotes.

Submissions (2):

GeneDx
Classification: Likely benign. Last evaluated: 2021-06-08. Review status: criteria provided, single submitter. Criteria: GeneDx Variant Classification Process June 2021. Collection method: clinical testing. Allele origin: germline. Affected: yes.

Illumina Laboratory Services, Illumina
Classification: Likely benign for Glycogen storage disease due to muscle and heart glycogen synthase deficiency. Last evaluated: 2018-01-12. Review status: criteria provided, single submitter. Criteria: ICSL Variant Classification Criteria 13 December 2019. Collection method: clinical testing. Allele origin: germline.
Comment: This variant was observed in the ICSL laboratory as part of a predisposition screen in an ostensibly healthy population. It had not been previously curated by ICSL or reported in the Human Gene Mutation Database (HGMD: prior to June 1st, 2018), and was therefore a candidate for classification through an automated scoring system. Utilizing variant allele frequency, disease prevalence and penetrance estimates, and inheritance mode, an automated score was calculated to assess if this variant is too frequent to cause the disease. Based on the score and internal cut-off values, a variant classified as likely benign is not then subjected to further curation. The score for this variant resulted in a classification of likely benign for this disease.